The following is an entry in ClinVar:

ClinVar aggregate classification (germline): Uncertain significance. Review status: criteria provided, multiple submitters, no conflicts (2 of 4 stars). 2 submissions from 2 submitters: Uncertain significance (2). Last evaluated 2026-01-14.

Allele frequency attached by ClinVar (database versions not stated): TOPMed 0.00006; gnomAD 0.00007 and 0.00008; ESP Exome Variant Server 0.00008; gnomAD exomes 0.00008 and 0.00011; ExAC 0.00011.
gnomAD v4.1: 130 of 1,610,066 alleles (0.0081%); highest among the groups gnomAD compares: Non-Finnish European, 0.0093%; no homozygotes.

Submissions (2):

Labcorp Genetics (formerly Invitae), Labcorp
Classification: Uncertain significance. Last evaluated: 2026-01-14. Review status: criteria provided, single submitter. Criteria: Invitae Variant Classification Sherloc (09022015). Collection method: clinical testing. Allele origin: germline.
Comment: This sequence change falls in intron 18 of the ADCY5 gene. It does not directly change the encoded amino acid sequence of the ADCY5 protein. It affects a nucleotide within the consensus splice site. This variant is present in population databases (rs61734575, gnomAD 0.02%). This variant has not been reported in the literature in individuals affected with ADCY5-related conditions. ClinVar contains an entry for this variant (Variation ID: 1467036). Variants that disrupt the consensus splice site are a relatively common cause of aberrant splicing (PMID: 17576681, 9536098). Algorithms developed to predict the effect of sequence changes on RNA splicing suggest that this variant is not likely to affect RNA splicing. In summary, the available evidence is currently insufficient to determine the role of this variant in disease. Therefore, it has been classified as a Variant of Uncertain Significance.

CeGaT Center for Human Genetics Tuebingen
Classification: Uncertain significance. Last evaluated: 2024-10-01. Review status: criteria provided, single submitter. Criteria: CeGaT Center For Human Genetics Tuebingen Variant Classification Criteria Version 2. Collection method: clinical testing. Allele origin: germline. Affected: yes. Observed: 1 variant allele.
Comment: ADCY5: PM2, BP4

Literature cited by the submitters: PubMed 17576681 (cited by Labcorp Genetics (formerly Invitae), Labcorp); PubMed 9536098 (cited by Labcorp Genetics (formerly Invitae), Labcorp).

NM_183357.3(ADCY5):c.3327+5A>C

Gene: ADCY5 (adenylate cyclase 5; minus strand). Cytogenetic location: 3q21.1.
Variant type: single nucleotide variant.
Coding change: c.3327+5A>C on transcript NM_183357.3 (MANE Select); 5 bases into the intron after coding-DNA position 3327, A replaced by C.
Molecular consequence: intron variant.
Genome position (GRCh38, 1-based): chr3:123,291,108, T>G on the plus strand (A>C on the coding strand, the complement: ADCY5 is on the minus strand). VCF-style: chr3-123291108-T-G. GRCh37 (hg19) VCF-style: chr3-123009955-T-G.
Other names: c.3402+5A>C (NM_001378259.1); c.2277+5A>C (NM_001199642.1).
Identifiers: ClinVar variation 1467036 (VCV001467036.20), dbSNP rs61734575, ClinGen allele CA2576808.